The following is an entry in ClinVar:

NM_001457.4(FLNB):c.2642A>C (p.Asn881Thr)

Gene: FLNB (filamin B; plus strand). Cytogenetic location: 3p14.3.
Variant type: single nucleotide variant.
Coding change: c.2642A>C on transcript NM_001457.4 (MANE Select); coding-DNA position 2642, A replaced by C.
Protein change: p.Asn881Thr; replaces asparagine 881 with threonine.
Molecular consequence: missense variant.
Genome position (GRCh38, 1-based): chr3:58,112,215, A>C. VCF-style: chr3-58112215-A-C. GRCh37 (hg19) VCF-style: chr3-58097942-A-C.
Other names: c.2642A>C, p.Asn881Thr (NM_001164317.2, NM_001164318.2, NM_001164319.2); short protein forms N881T.
Identifiers: ClinVar variation 2693791 (VCV002693791.3), dbSNP rs1199239072, ClinGen allele CA353345872.
Genomic context (GRCh38, chr3:58,112,215, plus strand): 5'-AAAATGGGAAACCGACCCACTTCACTGTCTACACCAAGGGGGCTGGGAAAGCCCCGCTCA[A>C]CGTGCAGTTCAACAGCCCTCTTCCTGGCGATGCAGTGAAGGATTTGGATATCATCGATAA-3'
Protein context (NP_001448.2, residues 871-891): YTKGAGKAPL[Asn881Thr]VQFNSPLPGD

ClinVar aggregate classification (germline): Uncertain significance (1 of 4 stars; one submission).

Allele frequency attached by ClinVar (database versions not stated): gnomAD 0.00001.

Submission:

Labcorp Genetics (formerly Invitae), Labcorp
Classification: Uncertain significance. Last evaluated: 2023-10-28. Review status: criteria provided, single submitter. Criteria: Invitae Variant Classification Sherloc (09022015). Collection method: clinical testing. Allele origin: germline.
Comment: This sequence change replaces asparagine, which is neutral and polar, with threonine, which is neutral and polar, at codon 881 of the FLNB protein (p.Asn881Thr). This variant is present in population databases (no rsID available, gnomAD 0.006%). This variant has not been reported in the literature in individuals affected with FLNB-related conditions. Advanced modeling of protein sequence and biophysical properties (such as structural, functional, and spatial information, amino acid conservation, physicochemical variation, residue mobility, and thermodynamic stability) performed at Invitae indicates that this missense variant is not expected to disrupt FLNB protein function with a negative predictive value of 95%. In summary, the available evidence is currently insufficient to determine the role of this variant in disease. Therefore, it has been classified as a Variant of Uncertain Significance.